The following is an entry in ClinVar:

ClinVar aggregate classification (germline): Uncertain significance (1 of 4 stars; one submission).

Conditions:
Autosomal recessive distal spinal muscular atrophy 1. Also called: NEURONOPATHY, DISTAL HEREDITARY MOTOR, HARDING TYPE VI; NEUROPATHY, DISTAL HEREDITARY MOTOR, AUTOSOMAL RECESSIVE 1; HMN VI; NEURONOPATHY, SEVERE INFANTILE AXONAL, WITH RESPIRATORY FAILURE; SEVERE INFANTILE AXONAL NEUROPATHY WITH RESPIRATORY FAILURE; SPINAL MUSCULAR ATROPHY, DIAPHRAGMATIC. Identifiers: Orphanet 98920, MedGen C1858517, MONDO:0011436, OMIM 604320.
Charcot-Marie-Tooth disease axonal type 2S. Also called: CHARCOT-MARIE-TOOTH NEUROPATHY, TYPE 2S; CHARCOT-MARIE-TOOTH DISEASE, AXONAL, AUTOSOMAL RECESSIVE, TYPE 2S. Identifiers: Orphanet 443073, MedGen C4015349, MONDO:0014511, OMIM 616155.

gnomAD v4.1: 1 of 1,614,176 alleles (0.000062%); highest among the groups gnomAD compares: Non-Finnish European, 0.000085%; no homozygotes.

Submission:

Labcorp Genetics (formerly Invitae), Labcorp
Classification: Uncertain significance for Autosomal recessive distal spinal muscular atrophy 1; Charcot-Marie-Tooth disease axonal type 2S. Last evaluated: 2022-08-13. Review status: criteria provided, single submitter. Criteria: Invitae Variant Classification Sherloc (09022015). Collection method: clinical testing. Allele origin: germline.
Comment: This sequence change replaces valine, which is neutral and non-polar, with isoleucine, which is neutral and non-polar, at codon 65 of the IGHMBP2 protein (p.Val65Ile). This variant is not present in population databases (gnomAD no frequency). This variant has not been reported in the literature in individuals affected with IGHMBP2-related conditions. Advanced modeling of protein sequence and biophysical properties (such as structural, functional, and spatial information, amino acid conservation, physicochemical variation, residue mobility, and thermodynamic stability) performed at Invitae indicates that this missense variant is not expected to disrupt IGHMBP2 protein function. In summary, the available evidence is currently insufficient to determine the role of this variant in disease. Therefore, it has been classified as a Variant of Uncertain Significance.

NM_002180.3(IGHMBP2):c.193G>A (p.Val65Ile)

Gene: IGHMBP2 (immunoglobulin mu DNA binding protein 2; plus strand). Cytogenetic location: 11q13.3.
Variant type: single nucleotide variant.
Coding change: c.193G>A on transcript NM_002180.3 (MANE Select); coding-DNA position 193, G replaced by A.
Protein change: p.Val65Ile; replaces valine 65 with isoleucine.
Molecular consequence: missense variant.
Genome position (GRCh38, 1-based): chr11:68,906,175, G>A. VCF-style: chr11-68906175-G-A. GRCh37 (hg19) VCF-style: chr11-68673643-G-A.
Other names: short protein forms V65I.
Identifiers: ClinVar variation 1716325 (VCV001716325.3), dbSNP rs920864493, ClinGen allele CA381642444.